The following is an entry in ClinVar:

ClinVar aggregate classification (germline): Benign (1 of 4 stars; one submission).

Allele frequency attached by ClinVar (database versions not stated): 1000 Genomes Project 30x 0.61056; 1000 Genomes Project 0.62121; TOPMed 0.63241; gnomAD 0.64371 and 0.64505.
gnomAD v4.1: 98,271 of 152,004 alleles (65%); highest among the groups gnomAD compares: Non-Finnish European, 72%; 32,536 homozygotes.

Submission:

GeneDx
Classification: Benign. Last evaluated: 2018-06-18. Review status: criteria provided, single submitter. Criteria: GeneDx Variant Classification (06012015). Collection method: clinical testing. Allele origin: germline. Affected: yes.
Comment: This variant is considered likely benign or benign based on one or more of the following criteria: it is a conservative change, it occurs at a poorly conserved position in the protein, it is predicted to be benign by multiple in silico algorithms, and/or has population frequency not consistent with disease.

NM_000310.4(PPT1):c.125-332T>C

Gene: PPT1 (palmitoyl-protein thioesterase 1; minus strand). Cytogenetic location: 1p34.2.
Variant type: single nucleotide variant.
Coding change: c.125-332T>C on transcript NM_000310.4 (MANE Select); 332 bases into the intron before coding-DNA position 125, T replaced by C.
Molecular consequence: intron variant.
Genome position (GRCh38, 1-based): chr1:40,092,839, A>G on the plus strand (T>C on the coding strand, the complement: PPT1 is on the minus strand). VCF-style: chr1-40092839-A-G. GRCh37 (hg19) VCF-style: chr1-40558511-A-G.
Other names: c.125-3327T>C (NM_001142604.2); c.125-332T>C (NM_001363695.2).
Identifiers: ClinVar variation 684001 (VCV000684001.1), dbSNP rs4630120, ClinGen allele CA10983116.
Genomic context (GRCh38, chr1:40,092,839, plus strand): 5'-TAACCACTGGCATGTGAAATGCAAACCAAAACCACGATGAGATACCATTTCACACAGACT[A>G]GGATGTCTTTAATAATAATTTTTTAATAGAAAATAACAAGTATTGTCAACGATGTAGAAA-3'